The following is an entry in ClinVar:

NM_206933.4(USH2A):c.5953G>C (p.Glu1985Gln)

Gene: USH2A (usherin; minus strand). Cytogenetic location: 1q41.
Variant type: single nucleotide variant.
Coding change: c.5953G>C on transcript NM_206933.4 (MANE Select); coding-DNA position 5953, G replaced by C.
Protein change: p.Glu1985Gln; replaces glutamic acid 1985 with glutamine.
Molecular consequence: missense variant.
Genome position (GRCh38, 1-based): chr1:216,070,197, C>G on the plus strand (G>C on the coding strand, the complement: USH2A is on the minus strand). VCF-style: chr1-216070197-C-G. GRCh37 (hg19) VCF-style: chr1-216243539-C-G.
Other names: short protein forms E1985Q.
Identifiers: ClinVar variation 964382 (VCV000964382.9), dbSNP rs150143291, ClinGen allele CA344862100.

ClinVar aggregate classification (germline): Uncertain significance (1 of 4 stars; one submission).

Submission:

Labcorp Genetics (formerly Invitae), Labcorp
Classification: Uncertain significance. Last evaluated: 2019-09-26. Review status: criteria provided, single submitter. Criteria: Invitae Variant Classification Sherloc (09022015). Collection method: clinical testing. Allele origin: germline.
Comment: This sequence change replaces glutamic acid with glutamine at codon 1985 of the USH2A protein (p.Glu1985Gln). The glutamic acid residue is highly conserved and there is a small physicochemical difference between glutamic acid and glutamine. This variant is not present in population databases (ExAC no frequency). This variant has not been reported in the literature in individuals with USH2A-related conditions. Algorithms developed to predict the effect of missense changes on protein structure and function are either unavailable or do not agree on the potential impact of this missense change (SIFT: "Deleterious"; PolyPhen-2: "Possibly Damaging"; Align-GVGD: "Class C0"). In summary, the available evidence is currently insufficient to determine the role of this variant in disease. Therefore, it has been classified as a Variant of Uncertain Significance.